The following is an entry in ClinVar:

ClinVar aggregate classification (germline): Pathogenic. Review status: criteria provided, multiple submitters, no conflicts (2 of 4 stars). 2 submissions from 2 submitters: Pathogenic (2). Last evaluated 2024-08-14.

Conditions:
Neurofibromatosis, type 1 (NF1). Also called: Neurofibromatosis, type I; VON RECKLINGHAUSEN DISEASE; NEUROFIBROMATOSIS, TYPE I, SOMATIC; Peripheral type neurofibromatosis. Identifiers: Orphanet 636, MedGen C0027831, MONDO:0018975, OMIM 162200. Disease mechanism: loss of function.
Cardiovascular phenotype. Identifiers: MedGen CN230736.
Hereditary cancer-predisposing syndrome. Also called: Hereditary Cancer Syndrome; Tumor predisposition; Hereditary neoplastic syndrome; Neoplastic Syndromes, Hereditary. Identifiers: Orphanet 140162, MedGen C0027672, MeSH D009386, MONDO:0015356.

Submissions (2):

Ambry Genetics
Classification: Pathogenic for Cardiovascular phenotype; Hereditary cancer-predisposing syndrome. Last evaluated: 2024-08-14. Review status: criteria provided, single submitter. Criteria: Ambry Variant Classification Scheme 2023. Collection method: clinical testing. Allele origin: germline.
Comment: The c.3921delT pathogenic mutation, located in coding exon 29 of the NF1 gene, results from a deletion of one nucleotide at nucleotide position 3921, causing a translational frameshift with a predicted alternate stop codon (p.I1307Mfs*2). This variant is considered to be rare based on population cohorts in the Genome Aggregation Database (gnomAD). This alteration is expected to result in loss of function by premature protein truncation or nonsense-mediated mRNA decay. As such, this alteration is interpreted as a disease-causing mutation.

Juno Genomics, Hangzhou Juno Genomics, Inc
Classification: Pathogenic for Neurofibromatosis, type 1. Review status: criteria provided, single submitter. Criteria: ACMG Guidelines, 2015. Collection method: clinical testing. Allele origin: germline. Affected: yes.
Comment: Null variant in a gene where loss of function (LOF) is a known mechanism of disease.;Absent from controls (or at extremely low frequency if recessive) in Genome Aggregation Database, Exome Sequencing Project, 1000 Genomes Project, or Exome Aggregation Consortium.;Patient's phenotype or family history is highly specific for a disease with a single genetic etiology.

NM_001042492.3(NF1):c.3921del (p.Ile1307fs)

Gene: NF1 (neurofibromin 1; plus strand). Cytogenetic location: 17q11.2.
Variant type: Deletion.
Coding change: c.3921del on transcript NM_001042492.3 (MANE Select); coding-DNA position 3921, one base deleted (T; older notation c.3921delT).
Protein change: p.Ile1307fs; shifts the reading frame from isoleucine 1307.
Molecular consequence: frameshift variant.
Genome position (GRCh38, 1-based): chr17:31,235,968, T deleted; the last of 2 consecutive T bases (chr17:31,235,967-31,235,968); deleting either gives the same sequence. VCF-style (leftmost placement, unchanged base first): chr17-31235966-AT-A. GRCh37 (hg19) VCF-style: chr17-29562984-AT-A.
Other names: c.3921delT (NM_000267.3); c.3921delT, p.Ile1307Metfs (NM_000267.4); short protein forms I1307fs.
Identifiers: ClinVar variation 3382041 (VCV003382041.3).